The following is an entry in ClinVar:

ClinVar aggregate classification (germline): Uncertain significance. Review status: criteria provided, multiple submitters, no conflicts (2 of 4 stars). 2 submissions from 2 submitters: Uncertain significance (2). Last evaluated 2025-08-26.

Conditions:
Wilson disease (WND). Also called: Wilson's disease. Identifiers: Orphanet 905, MedGen C0019202, MONDO:0010200, OMIM 277900. Disease mechanism: loss of function.

Allele frequency attached by ClinVar (database versions not stated): gnomAD 0.00001.
gnomAD v4.1: 1 of 1,613,910 alleles (0.000062%); highest among the groups gnomAD compares: Non-Finnish European, 0.000085%; no homozygotes.

Submissions (2):

Color Diagnostics, LLC DBA Color Health
Classification: Uncertain significance for Wilson disease. Last evaluated: 2025-08-26. Review status: criteria provided, single submitter. Criteria: ACMG Guidelines, 2015. Collection method: clinical testing. Allele origin: germline.
Comment: This missense variant replaces isoleucine with valine at codon 913 of the ATP7B protein. Computational prediction is inconclusive regarding the impact of this variant on protein structure and function. To our knowledge, functional studies have not been reported for this variant. This variant has not been reported in individuals affected with ATP7B-related disorders in the literature. This variant has been identified in 1/31408 chromosomes in the general population by the Genome Aggregation Database (gnomAD). The available evidence is insufficient to determine the role of this variant in disease conclusively. Therefore, this variant is classified as a Variant of Uncertain Significance.

Labcorp Genetics (formerly Invitae), Labcorp
Classification: Uncertain significance for Wilson disease. Last evaluated: 2024-09-05. Review status: criteria provided, single submitter. Criteria: Invitae Variant Classification Sherloc (09022015). Collection method: clinical testing. Allele origin: germline.
Comment: This sequence change replaces isoleucine, which is neutral and non-polar, with valine, which is neutral and non-polar, at codon 913 of the ATP7B protein (p.Ile913Val). This variant is present in population databases (no rsID available, gnomAD 0.007%). This variant has not been reported in the literature in individuals affected with ATP7B-related conditions. ClinVar contains an entry for this variant (Variation ID: 1949789). Invitae Evidence Modeling of protein sequence and biophysical properties (such as structural, functional, and spatial information, amino acid conservation, physicochemical variation, residue mobility, and thermodynamic stability) indicates that this missense variant is not expected to disrupt ATP7B protein function with a negative predictive value of 80%. In summary, the available evidence is currently insufficient to determine the role of this variant in disease. Therefore, it has been classified as a Variant of Uncertain Significance.

NM_000053.4(ATP7B):c.2737A>G (p.Ile913Val)

Gene: ATP7B (ATPase copper transporting beta; minus strand). Cytogenetic location: 13q14.3.
Variant type: single nucleotide variant.
Coding change: c.2737A>G on transcript NM_000053.4 (MANE Select); coding-DNA position 2737, A replaced by G.
Protein change: p.Ile913Val; replaces isoleucine 913 with valine.
Molecular consequence: missense variant. On other transcripts: intron variant (1).
Genome position (GRCh38, 1-based): chr13:51,949,790, T>C on the plus strand (A>G on the coding strand, the complement: ATP7B is on the minus strand). VCF-style: chr13-51949790-T-C. GRCh37 (hg19) VCF-style: chr13-52523926-T-C.
Other names: c.2497A>G, p.Ile833Val (NM_001406530.1); c.2485A>G, p.Ile829Val (NM_001406531.1, NM_001406532.1, NM_001406540.1 and 1 more transcripts); c.2503A>G, p.Ile835Val (NM_001406534.1, NM_001406538.1, NM_001330578.2 and 2 more transcripts); c.2407A>G, p.Ile803Val (NM_001406536.1); c.2593A>G, p.Ile865Val (NM_001406537.1, NM_001406520.1, NM_001406521.1 and 1 more transcripts); c.2308A>G, p.Ile770Val (NM_001406539.1); c.2251A>G, p.Ile751Val (NM_001406541.1, NM_001406542.1, NM_001406546.1); c.2404A>G, p.Ile802Val (NM_001243182.2); and 9 more; short protein forms I797V, I802V, I833V, I835V, I902V, I483V, I719V, I751V.
Identifiers: ClinVar variation 1949789 (VCV001949789.5), dbSNP rs1209293534, ClinGen allele CA388033934.